The following is an entry in ClinVar:

ClinVar aggregate classification (germline): Uncertain significance (1 of 4 stars; one submission).

Submission:

Labcorp Genetics (formerly Invitae), Labcorp
Classification: Uncertain significance. Last evaluated: 2026-01-26. Review status: criteria provided, single submitter. Criteria: Invitae Variant Classification Sherloc (09022015). Collection method: clinical testing. Allele origin: germline.
Comment: This sequence change replaces proline, which is neutral and non-polar, with serine, which is neutral and polar, at codon 139 of the OPN1SW protein (p.Pro139Ser). This variant is present in population databases (rs759095941, gnomAD 0.007%). This variant has not been reported in the literature in individuals affected with OPN1SW-related conditions. An algorithm developed to predict the effect of missense changes on protein structure and function (PolyPhen-2) suggests that this variant is likely to be disruptive. In summary, the available evidence is currently insufficient to determine the role of this variant in disease. Therefore, it has been classified as a Variant of Uncertain Significance.

NM_001385125.1(OPN1SW):c.406C>T (p.Pro136Ser)

Gene: OPN1SW (opsin 1, short wave sensitive; minus strand). Cytogenetic location: 7q32.1.
Variant type: single nucleotide variant.
Coding change: c.406C>T on transcript NM_001385125.1 (MANE Select); coding-DNA position 406, C replaced by T.
Protein change: p.Pro136Ser; replaces proline 136 with serine.
Molecular consequence: missense variant.
Genome position (GRCh38, 1-based): chr7:128,775,092, G>A on the plus strand (C>T on the coding strand, the complement: OPN1SW is on the minus strand). VCF-style: chr7-128775092-G-A. GRCh37 (hg19) VCF-style: chr7-128415146-G-A.
Other names: short protein forms P136S.
Identifiers: ClinVar variation 4694143 (VCV004694143.1).